The following is an entry in ClinVar:

NM_020937.4(FANCM):c.4168A>G (p.Lys1390Glu)

Gene: FANCM (FA complementation group M; plus strand). Cytogenetic location: 14q21.2.
Variant type: single nucleotide variant.
Coding change: c.4168A>G on transcript NM_020937.4 (MANE Select); coding-DNA position 4168, A replaced by G.
Protein change: p.Lys1390Glu; replaces lysine 1390 with glutamic acid.
Molecular consequence: missense variant.
Genome position (GRCh38, 1-based): chr14:45,176,922, A>G. VCF-style: chr14-45176922-A-G. GRCh37 (hg19) VCF-style: chr14-45646125-A-G.
Other names: c.4090A>G, p.Lys1364Glu (NM_001308133.2); short protein forms K1364E, K1390E.
Identifiers: ClinVar variation 3848560 (VCV003848560.1).

ClinVar aggregate classification (germline): Uncertain significance (1 of 4 stars; one submission).

Conditions:
Inborn genetic diseases. Identifiers: MedGen C0950123, MeSH D030342.

gnomAD v4.1: 1 of 1,611,500 alleles (0.000062%); highest among the groups gnomAD compares: Non-Finnish European, 0.000085%; no homozygotes.

Submission:

Ambry Genetics
Classification: Uncertain significance for Inborn genetic diseases. Last evaluated: 2024-12-29. Review status: criteria provided, single submitter. Criteria: Ambry Variant Classification Scheme 2023. Collection method: clinical testing. Allele origin: germline.
Comment: The p.K1390E variant (also known as c.4168A>G), located in coding exon 14 of the FANCM gene, results from an A to G substitution at nucleotide position 4168. The lysine at codon 1390 is replaced by glutamic acid, an amino acid with similar properties. This amino acid position is conserved. In addition, this alteration is predicted to be tolerated by in silico analysis. Based on the available evidence, the clinical significance of this variant remains unclear.